The following is an entry in ClinVar:

ClinVar aggregate classification (germline): Pathogenic (1 of 4 stars; one submission).

Conditions:
Joubert syndrome. Also called: CEREBELLOPARENCHYMAL DISORDER IV; JOUBERT-BOLTSHAUSER SYNDROME; Familial aplasia of the vermis. Identifiers: Orphanet 475, MedGen C5979921, MONDO:0018772.
Meckel-Gruber syndrome. Also called: DYSENCEPHALIA SPLANCHNOCYSTICA; GRUBER SYNDROME; Dysencephalia splachnocystica. Identifiers: Orphanet 564, MedGen C0265215, MONDO:0018921.

Submission:

Labcorp Genetics (formerly Invitae), Labcorp
Classification: Pathogenic for Joubert syndrome; Meckel-Gruber syndrome. Last evaluated: 2021-04-01. Review status: criteria provided, single submitter. Criteria: Invitae Variant Classification Sherloc (09022015). Collection method: clinical testing. Allele origin: germline.
Comment: For these reasons, this variant has been classified as Pathogenic. This variant has not been reported in the literature in individuals with MKS1-related conditions. This variant is not present in population databases (ExAC no frequency). This sequence change creates a premature translational stop signal (p.Glu157*) in the MKS1 gene. It is expected to result in an absent or disrupted protein product. Loss-of-function variants in MKS1 are known to be pathogenic (PMID: 19466712, 24886560, 26490104).

Literature cited by the submitters: PubMed 19466712; PubMed 24886560; PubMed 26490104.

NM_017777.4(MKS1):c.469G>T (p.Glu157Ter)

Gene: MKS1 (MKS transition zone complex subunit 1; minus strand). Cytogenetic location: 17q22.
Variant type: single nucleotide variant.
Coding change: c.469G>T on transcript NM_017777.4 (MANE Select); coding-DNA position 469, G replaced by T.
Protein change: p.Glu157Ter; replaces glutamic acid 157 with a stop codon.
Molecular consequence: nonsense. On other transcripts: intron variant (1).
Genome position (GRCh38, 1-based): chr17:58,214,787, C>A on the plus strand (G>T on the coding strand, the complement: MKS1 is on the minus strand). VCF-style: chr17-58214787-C-A. GRCh37 (hg19) VCF-style: chr17-56292148-C-A.
Other names: c.469G>T, p.Glu157Ter (NM_001321269.2, NM_001330397.2); c.-94-400G>T (NM_001321268.2); short protein forms E157*.
Identifiers: ClinVar variation 1417225 (VCV001417225.6), dbSNP rs200970148, ClinGen allele CA400327201.